The following is an entry in ClinVar:

ClinVar aggregate classification (germline): Uncertain significance. Review status: criteria provided, multiple submitters, no conflicts (2 of 4 stars). 2 submissions from 2 submitters: Uncertain significance (2). Last evaluated 2025-03-05.

Conditions:
Hereditary cancer-predisposing syndrome. Also called: Neoplastic Syndromes, Hereditary; Tumor predisposition; Hereditary Cancer Syndrome; Hereditary neoplastic syndrome. Identifiers: Orphanet 140162, MedGen C0027672, MeSH D009386, MONDO:0015356.
Neuroblastoma, susceptibility to, 3. Also called: ALK-Related Neuroblastic Tumor Susceptibility. Identifiers: Orphanet 635, MedGen C2751681, MONDO:0013083, OMIM 613014.

Allele frequency attached by ClinVar (database versions not stated): TOPMed below 0.00001; ExAC 0.00001; gnomAD 0.00001; 1000 Genomes Project 30x 0.00016; 1000 Genomes Project 0.00020.
gnomAD v4.1: 2 of 1,614,188 alleles (0.00012%); highest among the groups gnomAD compares: South Asian, 0.0011%; no homozygotes.

Submissions (2):

Ambry Genetics
Classification: Uncertain significance for Hereditary cancer-predisposing syndrome. Last evaluated: 2025-03-05. Review status: criteria provided, single submitter. Criteria: Ambry Variant Classification Scheme 2023. Collection method: clinical testing. Allele origin: germline.
Comment: The p.D1372H variant (also known as c.4114G>C), located in coding exon 28 of the ALK gene, results from a G to C substitution at nucleotide position 4114. The aspartic acid at codon 1372 is replaced by histidine, an amino acid with similar properties. This amino acid position is conserved. In addition, this alteration is predicted to be deleterious by in silico analysis. Since supporting evidence is limited at this time, the clinical significance of this alteration remains unclear.

Labcorp Genetics (formerly Invitae), Labcorp
Classification: Uncertain significance for Neuroblastoma, susceptibility to, 3. Last evaluated: 2025-03-05. Review status: criteria provided, single submitter. Criteria: Invitae Variant Classification Sherloc (09022015). Collection method: clinical testing. Allele origin: germline.
Comment: This sequence change replaces aspartic acid, which is acidic and polar, with histidine, which is basic and polar, at codon 1372 of the ALK protein (p.Asp1372His). This variant is not present in population databases (gnomAD no frequency). This variant has not been reported in the literature in individuals affected with ALK-related conditions. ClinVar contains an entry for this variant (Variation ID: 1737949). An algorithm developed to predict the effect of missense changes on protein structure and function (PolyPhen-2) suggests that this variant is likely to be disruptive. In summary, the available evidence is currently insufficient to determine the role of this variant in disease. Therefore, it has been classified as a Variant of Uncertain Significance.

NM_004304.5(ALK):c.4114G>C (p.Asp1372His)

Gene: ALK (ALK receptor tyrosine kinase; minus strand). Cytogenetic location: 2p23.2.
Variant type: single nucleotide variant.
Coding change: c.4114G>C on transcript NM_004304.5 (MANE Select); coding-DNA position 4114, G replaced by C.
Protein change: p.Asp1372His; replaces aspartic acid 1372 with histidine.
Molecular consequence: missense variant.
Genome position (GRCh38, 1-based): chr2:29,196,820, C>G on the plus strand (G>C on the coding strand, the complement: ALK is on the minus strand). VCF-style: chr2-29196820-C-G. GRCh37 (hg19) VCF-style: chr2-29419686-C-G.
Other names: c.910G>C, p.Asp304His (NM_001353765.2); short protein forms D304H, D1372H.
Identifiers: ClinVar variation 1737949 (VCV001737949.4), dbSNP rs535864522, ClinGen allele CA1593663.